The following is an entry in ClinVar:

NM_006939.4(SOS2):c.2241C>T (p.Ser747=)

Gene: SOS2 (SOS Ras/Rho guanine nucleotide exchange factor 2; minus strand). Cytogenetic location: 14q21.3.
Variant type: single nucleotide variant.
Coding change: c.2241C>T on transcript NM_006939.4 (MANE Select); coding-DNA position 2241, C replaced by T.
Protein change: p.Ser747=; no amino-acid change (serine 747 retained).
Molecular consequence: synonymous variant.
Genome position (GRCh38, 1-based): chr14:50,150,151, G>A on the plus strand (C>T on the coding strand, the complement: SOS2 is on the minus strand). VCF-style: chr14-50150151-G-A. GRCh37 (hg19) VCF-style: chr14-50616869-G-A.
Other names: c.2142C>T, p.Ser714= (NM_001411020.1).
Identifiers: ClinVar variation 2195748 (VCV002195748.6), dbSNP rs1230203021, ClinGen allele CA486174987.

ClinVar aggregate classification (germline): Uncertain significance. Review status: criteria provided, single submitter (1 of 4 stars). 2 submissions from 2 submitters: Uncertain significance (1). 1 of the submissions does not count toward it. Last evaluated 2024-09-03.

Conditions:
SOS2-related disorder. Also called: SOS2-related condition.
Noonan syndrome 9 (NS9). Identifiers: Orphanet 648, MedGen C4225282, MONDO:0014691, OMIM 616559.

Allele frequency attached by ClinVar (database versions not stated): gnomAD exomes 0.00001.
gnomAD v4.1: 14 of 1,613,144 alleles (0.00087%); highest among the groups gnomAD compares: Non-Finnish European, 0.0012%; no homozygotes.

Submissions (2):

Labcorp Genetics (formerly Invitae), Labcorp
Classification: Uncertain significance for Noonan syndrome 9. Last evaluated: 2024-09-03. Review status: criteria provided, single submitter. Criteria: Invitae Variant Classification Sherloc (09022015). Collection method: clinical testing. Allele origin: germline.
Comment: This sequence change affects codon 747 of the SOS2 mRNA. It is a 'silent' change, meaning that it does not change the encoded amino acid sequence of the SOS2 protein. This variant is present in population databases (no rsID available, gnomAD 0.0009%). This variant has not been reported in the literature in individuals affected with SOS2-related conditions. ClinVar contains an entry for this variant (Variation ID: 2195748). Algorithms developed to predict the effect of sequence changes on RNA splicing suggest that this variant may create or strengthen a splice site. In summary, the available evidence is currently insufficient to determine the role of this variant in disease. Therefore, it has been classified as a Variant of Uncertain Significance.

PreventionGenetics, part of Exact Sciences
Classification: Likely benign for SOS2-related condition. Last evaluated: 2021-01-20. Review status: no assertion criteria provided. Collection method: clinical testing. Allele origin: germline. Not counted in ClinVar's aggregate classification.
Comment: This variant is classified as likely benign based on ACMG/AMP sequence variant interpretation guidelines (Richards et al. 2015 PMID: 25741868, with internal and published modifications).